The following is an entry in ClinVar:

NM_001042492.3(NF1):c.7054_7062+10del

Gene: NF1 (neurofibromin 1; plus strand). Cytogenetic location: 17q11.2.
Variant type: Deletion.
Coding change: c.7054_7062+10del on transcript NM_001042492.3 (MANE Select); coding-DNA position 7054 through 10 bases into the intron after coding-DNA position 7062, 19 bases deleted (AATGACAAGGTAAGCAAAC).
Molecular consequence: splice donor variant.
Genome position (GRCh38, 1-based): chr17:31,340,637-31,340,655, AATGACAAGGTAAGCAAAC deleted; deleting any 19 consecutive bases within chr17:31,340,636-31,340,655 gives the same sequence; the c. name uses the placement nearest the transcript's 3' end. VCF-style (leftmost placement, unchanged base first): chr17-31340635-TCAATGACAAGGTAAGCAAA-T. GRCh37 (hg19) VCF-style: chr17-29667653-TCAATGACAAGGTAAGCAAA-T.
Other names: c.6991_6999+10del (NM_000267.4).
Identifiers: ClinVar variation 1452986 (VCV001452986.6), dbSNP rs2151561997, ClinGen allele CA2573153894.

ClinVar aggregate classification (germline): Pathogenic (1 of 4 stars; one submission).

Conditions:
Neurofibromatosis, type 1 (NF1). Also called: Neurofibromatosis, type I; VON RECKLINGHAUSEN DISEASE; NEUROFIBROMATOSIS, TYPE I, SOMATIC; Peripheral type neurofibromatosis. Identifiers: Orphanet 636, MedGen C0027831, MONDO:0018975, OMIM 162200. Disease mechanism: loss of function.

Submission:

Labcorp Genetics (formerly Invitae), Labcorp
Classification: Pathogenic for Neurofibromatosis, type 1. Last evaluated: 2021-03-13. Review status: criteria provided, single submitter. Criteria: Invitae Variant Classification Sherloc (09022015). Collection method: clinical testing. Allele origin: germline.
Comment: For these reasons, this variant has been classified as Pathogenic. Algorithms developed to predict the effect of sequence changes on RNA splicing suggest that this variant may disrupt the consensus splice site, but this prediction has not been confirmed by published transcriptional studies. This variant has been observed in individual(s) with neurofibromatosis, type 1 (Invitae). This variant is not present in population databases (ExAC no frequency). This variant results in the deletion of part of exon 46 (c.6991_6999+10del) of the NF1 gene. It is expected to disrupt RNA splicing. Variants that disrupt the donor or acceptor splice site typically lead to a loss of protein function (PMID: 16199547), and loss-of-function variants in NF1 are known to be pathogenic (PMID: 10712197, 23913538).

Literature cited by the submitters: PubMed 16199547; PubMed 10712197; PubMed 23913538.